The following is an entry in ClinVar:

NM_001614.5(ACTG1):c.684C>T (p.Ala228=)

Gene: ACTG1 (actin gamma 1; minus strand). Cytogenetic location: 17q25.3.
Variant type: single nucleotide variant.
Coding change: c.684C>T on transcript NM_001614.5 (MANE Select); coding-DNA position 684, C replaced by T.
Protein change: p.Ala228=; no amino-acid change (alanine 228 retained).
Molecular consequence: synonymous variant. On other transcripts: non-coding transcript variant (1).
Genome position (GRCh38, 1-based): chr17:81,511,306, G>A on the plus strand (C>T on the coding strand, the complement: ACTG1 is on the minus strand). VCF-style: chr17-81511306-G-A. GRCh37 (hg19) VCF-style: chr17-79478332-G-A.
Other names: c.684C>T, p.Ala228= (NM_001199954.3).
Identifiers: ClinVar variation 178286 (VCV000178286.93), dbSNP rs143125497, ClinGen allele CA182035.

ClinVar aggregate classification (germline): Benign/Likely benign. Review status: criteria provided, multiple submitters, no conflicts (2 of 4 stars). 10 submissions from 9 submitters: Benign (6); Likely benign (4). Last evaluated 2026-09-01.

Conditions:
Autosomal dominant nonsyndromic hearing loss 20. Identifiers: Orphanet 90635, MedGen C1858172, MONDO:0011480, OMIM 604717.
Baraitser-winter syndrome 2. Identifiers: Orphanet 2995, MedGen C3281235, MONDO:0013812, OMIM 614583.

Allele frequency attached by ClinVar (database versions not stated): TOPMed 0.00132; ESP Exome Variant Server 0.00169; gnomAD 0.00190 and 0.00195; gnomAD exomes 0.00220; ExAC 0.00253; 1000 Genomes Project 0.00100; 1000 Genomes Project 30x 0.00125.
gnomAD v4.1: 3,216 of 1,613,756 alleles (0.2%); highest among the groups gnomAD compares: South Asian, 0.24%; 3 homozygotes.

Submissions (10):

CeGaT Center for Human Genetics Tuebingen
Classification: Likely benign. Last evaluated: 2026-09-01. Review status: criteria provided, single submitter. Criteria: CeGaT Center For Human Genetics Tuebingen Variant Classification Criteria Version 2. Collection method: clinical testing. Allele origin: germline. Affected: yes. Observed: 24 variant alleles.
Comment: ACTG1: BP4, BP7

Labcorp Genetics (formerly Invitae), Labcorp
Classification: Benign for Baraitser-winter syndrome 2; Autosomal dominant nonsyndromic hearing loss 20. Last evaluated: 2026-01-13. Review status: criteria provided, single submitter. Criteria: Invitae Variant Classification Sherloc (09022015). Collection method: clinical testing. Allele origin: germline.

Blueprint Genetics
Classification: Likely benign. Last evaluated: 2024-11-21. Review status: criteria provided, single submitter. Criteria: ACMG Guidelines, 2015. Collection method: clinical testing. Allele origin: germline.

Genome-Nilou Lab
Classification: Benign for Baraitser-winter syndrome 2. Last evaluated: 2021-12-05. Review status: criteria provided, single submitter. Criteria: ACMG Guidelines, 2015. Collection method: clinical testing. Allele origin: germline. Affected: no.

Genome-Nilou Lab
Classification: Benign for Autosomal dominant nonsyndromic hearing loss 20. Last evaluated: 2021-12-05. Review status: criteria provided, single submitter. Criteria: ACMG Guidelines, 2015. Collection method: clinical testing. Allele origin: germline. Affected: no.

ARUP Laboratories, Molecular Genetics and Genomics, ARUP Laboratories
Classification: Benign. Last evaluated: 2019-07-22. Review status: criteria provided, single submitter. Criteria: ARUP Molecular Germline Variant Investigation Process. Collection method: clinical testing. Allele origin: germline.

Genetic Services Laboratory, University of Chicago
Classification: Likely benign. Last evaluated: 2017-08-07. Review status: criteria provided, single submitter. Criteria: ACMG Guidelines, 2015. Collection method: clinical testing. Allele origin: germline. Affected: no.

GeneDx
Classification: Benign. Last evaluated: 2017-02-13. Review status: criteria provided, single submitter. Criteria: GeneDx Variant Classification (06012015). Collection method: clinical testing. Allele origin: germline. Affected: yes.
Comment: This variant is considered likely benign or benign based on one or more of the following criteria: it is a conservative change, it occurs at a poorly conserved position in the protein, it is predicted to be benign by multiple in silico algorithms, and/or has population frequency not consistent with disease.

Laboratory for Molecular Medicine, Mass General Brigham Personalized Medicine
Classification: Benign. Last evaluated: 2015-01-26. Review status: criteria provided, single submitter. Criteria: LMM Criteria. Collection method: clinical testing. Allele origin: germline. Observed: 7 variant alleles.
Comment: p.Ala228Ala in exon 04 of ACTG1: This variant is not expected to have clinical s ignificance because it does not alter an amino acid residue, is not located with in the splice consensus sequence, and has been identified in 0.3% (228/71802) of European chromosomes by the Exome Aggregation Consortium (ExAC; dbSNP rs143125497).

Breakthrough Genomics
Classification: Likely benign. Review status: criteria provided, single submitter. Criteria: ACMG Guidelines, 2015. Collection method: not provided. Allele origin: germline. Inheritance: Autosomal dominant inheritance. Affected: yes.